The following is an entry in ClinVar:

NM_017780.4(CHD7):c.3431del (p.Leu1144fs)

Gene: CHD7 (chromodomain helicase DNA binding protein 7; plus strand). Cytogenetic location: 8q12.2.
Variant type: Deletion.
Coding change: c.3431del on transcript NM_017780.4 (MANE Select); coding-DNA position 3431, one base deleted (T; older notation c.3431delT).
Protein change: p.Leu1144fs; shifts the reading frame from leucine 1144.
Molecular consequence: frameshift variant. On other transcripts: intron variant (1).
Genome position (GRCh38, 1-based): chr8:60,828,715, T deleted. VCF-style (leftmost placement, unchanged base first): chr8-60828714-CT-C. GRCh37 (hg19) VCF-style: chr8-61741273-CT-C.
Other names: NM_017780.4:c.3431del; c.1717-33514del (NM_001316690.1); short protein forms L1144fs.
Identifiers: ClinVar variation 2500922 (VCV002500922.1), dbSNP rs2487843822, ClinGen allele CA2579754021.

ClinVar aggregate classification (germline): Pathogenic (1 of 4 stars; one submission).

Conditions:
CHARGE syndrome (CHARGE). Also called: Hittner Hirsch Kreh syndrome; CHARGE ASSOCIATION--COLOBOMA, HEART ANOMALY, CHOANAL ATRESIA, RETARDATION, GENITAL AND EAR ANOMALIES; Coloboma, heart anomaly, choanal atresia, retardation, genital and ear anomalies; CHARGE association; Hall-Hittner syndrome. Identifiers: Orphanet 138, MedGen C0265354, MONDO:0008965.

Submission:

Broad Center for Mendelian Genomics, Broad Institute of MIT and Harvard
Classification: Pathogenic for CHARGE syndrome. Last evaluated: 2023-05-02. Review status: criteria provided, single submitter. Criteria: ACMG Guidelines, 2015. Collection method: curation. Allele origin: germline. Inheritance: Autosomal dominant inheritance.
Comment: Trio exome analysis showed this variant to be de novo. The p.Leu1144ProfsTer26 variant in CHD7 has not been previously reported in individuals with CHARGE syndrome. This variant was absent from large population studies. This variant is predicted to cause a frameshift, which alters the protein‚Äôs amino acid sequence beginning at position 1144 and leads to a premature termination codon 26 amino acids downstream. This alteration is then predicted to lead to a truncated or absent protein. Heterozygous loss of function of the CHD7 gene is an established disease mechanism in CHARGE syndrome. In summary, this variant meets criteria to be classified as pathogenic for CHARGE syndrome. ACMG/AMP Criteria applied: PVS1, PS2_Supporting, PM2_Supporting (Richards 2015).